The following is an entry in ClinVar:

ClinVar aggregate classification (germline): Uncertain significance (1 of 4 stars; one submission).

gnomAD v4.1: 1 of 1,613,788 alleles (0.000062%); highest among the groups gnomAD compares: Admixed American, 0.0017%; no homozygotes.

Submission:

Labcorp Genetics (formerly Invitae), Labcorp
Classification: Uncertain significance. Last evaluated: 2022-08-26. Review status: criteria provided, single submitter. Criteria: Invitae Variant Classification Sherloc (09022015). Collection method: clinical testing. Allele origin: germline.
Comment: This variant has not been reported in the literature in individuals affected with TBX20-related conditions. Algorithms developed to predict the effect of missense changes on protein structure and function (SIFT, PolyPhen-2, Align-GVGD) all suggest that this variant is likely to be tolerated. In summary, the available evidence is currently insufficient to determine the role of this variant in disease. Therefore, it has been classified as a Variant of Uncertain Significance. This variant is not present in population databases (gnomAD no frequency). This sequence change replaces glutamine, which is neutral and polar, with lysine, which is basic and polar, at codon 305 of the TBX20 protein (p.Gln305Lys).

NM_001077653.2(TBX20):c.913C>A (p.Gln305Lys)

Gene: TBX20 (T-box transcription factor 20; minus strand). Cytogenetic location: 7p14.2.
Variant type: single nucleotide variant.
Coding change: c.913C>A on transcript NM_001077653.2 (MANE Select); coding-DNA position 913, C replaced by A.
Protein change: p.Gln305Lys; replaces glutamine 305 with lysine.
Molecular consequence: missense variant.
Genome position (GRCh38, 1-based): chr7:35,204,560, G>T on the plus strand (C>A on the coding strand, the complement: TBX20 is on the minus strand). VCF-style: chr7-35204560-G-T. GRCh37 (hg19) VCF-style: chr7-35244172-G-T.
Other names: short protein forms Q305K.
Identifiers: ClinVar variation 2018697 (VCV002018697.4), dbSNP rs2546981575, ClinGen allele CA367263623.